The following is an entry in ClinVar:

ClinVar aggregate classification (germline): Likely pathogenic. Review status: criteria provided, single submitter (1 of 4 stars). 2 submissions from 2 submitters: Likely pathogenic (1). 1 of the submissions does not count toward it. Last evaluated 2023-04-25.

Conditions:
Overgrowth. Identifiers: MedGen C1849265, HP:0001548.
Precocious puberty. Identifiers: Orphanet 95708, MedGen C0034013, MONDO:0000088, HP:0000826.
Postaxial polydactyly. Identifiers: MedGen C0220697, MONDO:0020927, HP:0100259.
Macrocephaly. Also called: large head; Macrocephalus. Identifiers: MedGen C2243051, HP:0000256.
PTCH1-related disorder. Also called: PTCH1-related disorders; PTCH1-related condition.

Submissions (2):

PreventionGenetics, part of Exact Sciences
Classification: Likely pathogenic for PTCH1-related condition. Last evaluated: 2023-04-25. Review status: criteria provided, single submitter. Criteria: ACMG Guidelines, 2015. Collection method: clinical testing. Allele origin: germline.
Comment: The PTCH1 c.2265_2268delCCTT variant is predicted to result in a frameshift and premature protein termination (p.Leu756Phefs*15). To our knowledge, this variant has not been reported in the literature or in a large population database, indicating this variant is rare. Frameshift variants in PTCH1 are expected to be pathogenic. This variant is interpreted as likely pathogenic.

Center for Human Genetics and Genomic Medicine, Uniklinik Rwth Aachen
Classification: Pathogenic for Macrocephaly; Postaxial polydactyly; Precocious puberty; Overgrowth. Last evaluated: 2021-02-23. Review status: no assertion criteria provided. Collection method: clinical testing. Allele origin: de novo. Inheritance: Autosomal dominant inheritance. Affected: yes. Observed: 1 variant allele, 1 heterozygote. Not counted in ClinVar's aggregate classification.

NM_000264.5(PTCH1):c.2265_2268del (p.Leu756fs)

Genes: PTCH1 (patched 1; minus strand), LOC100507346 (uncharacterized LOC100507346; plus strand). Cytogenetic location: 9q22.32.
Variant type: Deletion.
Coding change: c.2265_2268del on transcript NM_000264.5 (MANE Select); coding-DNA positions 2265 to 2268, 4 bases deleted (CCTT; older notation c.2265_2268delCCTT).
Protein change: p.Leu756fs; shifts the reading frame from leucine 756.
Molecular consequence: frameshift variant. On other transcripts: non-coding transcript variant (1).
Genome position (GRCh38, 1-based): chr9:95,467,408-95,467,411, AAGG deleted on the plus strand (CCTT on the coding strand, the reverse complement: PTCH1 is on the minus strand); deleting any 4 consecutive bases within chr9:95,467,408-95,467,414 gives the same sequence; the c. name uses the placement nearest the transcript's 3' end. VCF-style (leftmost placement, unchanged base first): chr9-95467407-AAAGG-A. GRCh37 (hg19) VCF-style: chr9-98229689-AAAGG-A.
Other names: Chr9:95467408_95467411del; c.2265_2268delCCTT (NM_000264.3); c.2067_2070del, p.Leu690fs (NM_001083602.3); c.2262_2265del, p.Leu755fs (NM_001083603.3); c.1812_1815del, p.Leu605fs (NM_001083604.3, NM_001083605.3, NM_001083606.3 and 1 more transcripts); c.2109_2112del, p.Leu704fs (NM_001354918.2); short protein forms L605fs, L690fs, L704fs, L755fs, L756fs.
Identifiers: ClinVar variation 997831 (VCV000997831.5), dbSNP rs1840113211, ClinGen allele CA1865622418.